The following is an entry in ClinVar:

ClinVar aggregate classification (germline): Pathogenic (1 of 4 stars; one submission).

Conditions:
Hypogonadotropic hypogonadism 2 with or without anosmia (HH2). Also called: FGFR1-Related GnRH Deficiency (Kallmann Syndrome 2); HYPOGONADOTROPIC HYPOGONADISM 2 WITHOUT ANOSMIA; HYPOGONADOTROPIC HYPOGONADISM 2 WITH OR WITHOUT ANOSMIA, SUSCEPTIBILITY TO; HYPOGONADOTROPIC HYPOGONADISM 2 WITHOUT ANOSMIA, SUSCEPTIBILITY TO. Identifiers: Orphanet 478, MedGen C1563720, MONDO:0007844, OMIM 147950. Disease mechanism: loss of function.

Submission:

Reproductive Endocrine Unit, Massachusetts General Hospital
Classification: Pathogenic for Hypogonadotropic hypogonadism 2 with or without anosmia. Last evaluated: 2023-05-04. Review status: criteria provided, single submitter. Criteria: ACMG Guidelines, 2015. Collection method: research. Allele origin: inherited. Affected: yes. Observed: 1 variant allele.
Comment: The variant NM_023110.2:c.570G>A, p.(Trp190*) het has been classified as P1c based on the variant meeting the following ACMG Criteria: PVS1,PM2,PP3.

NM_023110.3(FGFR1):c.570G>A (p.Trp190Ter)

Gene: FGFR1 (fibroblast growth factor receptor 1; minus strand). Cytogenetic location: 8p11.23.
Variant type: single nucleotide variant.
Coding change: c.570G>A on transcript NM_023110.3 (MANE Select); coding-DNA position 570, G replaced by A.
Protein change: p.Trp190Ter; replaces tryptophan 190 with a stop codon.
Molecular consequence: nonsense.
Genome position (GRCh38, 1-based): chr8:38,427,972, C>T on the plus strand (G>A on the coding strand, the complement: FGFR1 is on the minus strand). VCF-style: chr8-38427972-C-T. GRCh37 (hg19) VCF-style: chr8-38285490-C-T.
Other names: c.570G>A, p.Trp190Ter (NM_000604.2, NM_001174063.2); c.546G>A, p.Trp182Ter (NM_001174064.2); c.564G>A, p.Trp188Ter (NM_001174065.2, NM_001354367.2, NM_001354369.2 and 2 more transcripts); c.303G>A, p.Trp101Ter (NM_001174066.2, NM_023105.3); c.663G>A, p.Trp221Ter (NM_001174067.2); c.297G>A, p.Trp99Ter (NM_001354368.2, NM_001354370.2, NM_023106.3); short protein forms W101*, W182*, W188*, W190*, W221*, W99*.
Identifiers: ClinVar variation 2505377 (VCV002505377.1), dbSNP rs2150911849, ClinGen allele CA370735617.